The following is an entry in ClinVar:

NM_000492.4(CFTR):c.2357dup (p.Thr787fs)

Gene: CFTR (CF transmembrane conductance regulator; plus strand). Cytogenetic location: 7q31.2.
Variant type: Duplication.
Coding change: c.2357dup on transcript NM_000492.4 (MANE Select); coding-DNA position 2357, one base duplicated (A; older notation c.2357dupA).
Protein change: p.Thr787fs; shifts the reading frame from threonine 787.
Molecular consequence: frameshift variant.
Genome position (GRCh38, 1-based): chr7:117,592,524, A duplicated; the last of 3 consecutive A bases (chr7:117,592,522-117,592,524); duplicating any one gives the same sequence. VCF-style (leftmost placement, unchanged base first): chr7-117592521-G-GA. GRCh37 (hg19) VCF-style: chr7-117232575-G-GA.
Other names: short protein forms T787fs.
Identifiers: ClinVar variation 4064604 (VCV004064604.2).

ClinVar aggregate classification (germline): Likely pathogenic (1 of 4 stars; one submission).

Conditions:
CFTR-related disorder (CFTR-RD). Also called: CFTR-related disorders; CFTR-related condition. Identifiers: MedGen C5924204, MONDO:7770004.

Submission:

Natera, Inc.
Classification: Likely pathogenic for CFTR-related disorders. Last evaluated: 2025-02-10. Review status: criteria provided, single submitter. Criteria: Natera Variant Classification Schema (03/2026). Collection method: clinical testing. Allele origin: germline.
Comment: The c.2357dup variant in CFTR is a frameshift variant predicted to shift the reading frame beginning at codon 787 and leads to a stop codon 18 codons downstream. This variant is expected to result in nonsense mediated decay, truncation, or a dysfunctional protein product. This variant is rare in the general population with a frequency below the threshold expected for the associated phenotype(s). Given the available evidence, this variant is classified as Likely Pathogenic.